The following is an entry in ClinVar:

NM_000051.4(ATM):c.3371A>T (p.Tyr1124Phe)

Gene: ATM (ATM serine/threonine kinase; plus strand). Cytogenetic location: 11q22.3.
Variant type: single nucleotide variant.
Coding change: c.3371A>T on transcript NM_000051.4 (MANE Select); coding-DNA position 3371, A replaced by T.
Protein change: p.Tyr1124Phe; replaces tyrosine 1124 with phenylalanine.
Molecular consequence: missense variant.
Genome position (GRCh38, 1-based): chr11:108,279,577, A>T. VCF-style: chr11-108279577-A-T. GRCh37 (hg19) VCF-style: chr11-108150304-A-T.
Other names: c.3371A>T, p.Tyr1124Phe (NM_001351834.2); short protein forms Y1124F.
Identifiers: ClinVar variation 233576 (VCV000233576.43), dbSNP rs876660498, ClinGen allele CA10579102.

ClinVar aggregate classification (germline): Uncertain significance. Review status: criteria provided, multiple submitters, no conflicts (2 of 4 stars). 15 submissions from 15 submitters: Uncertain significance (11). 4 of the submissions do not count toward it. Last evaluated 2026-01-21.

Conditions:
Hereditary cancer-predisposing syndrome. Also called: Neoplastic Syndromes, Hereditary; Hereditary Cancer Syndrome; Tumor predisposition; Hereditary neoplastic syndrome. Identifiers: Orphanet 140162, MedGen C0027672, MeSH D009386, MONDO:0015356.
Ataxia-telangiectasia syndrome (AT). Also called: LOUIS-BAR SYNDROME; Ataxia-telangiectasia, complementation group D; AT, COMPLEMENTATION GROUP C; Ataxia-telangiectasia, complementation group E; Ataxia telangiectasia (A-T); Cerebello-oculocutaneous telangiectasia. Identifiers: Orphanet 100, MedGen C0004135, MONDO:0008840, OMIM 208900.
Familial cancer of breast. Also called: hereditary breast carcinoma; Hereditary breast cancer; BREAST CANCER, FAMILIAL. Identifiers: Orphanet 227535, MedGen C0346153, MONDO:0016419, OMIM 114480. Disease mechanism: loss of function.
Hereditary breast ovarian cancer syndrome. Also called: Breast and ovarian cancer; BRCA1- and BRCA2-Associated Hereditary Breast and Ovarian Cancer; Hereditary breast and ovarian cancer syndrome; Hereditary breast and ovarian cancer syndrome (HBOC); Hereditary breast and/or ovarian cancer syndrome; Hereditary breast and ovarian cancer. Identifiers: Orphanet 145, MedGen C0677776, MeSH D061325, MONDO:0003582. Disease mechanism: loss of function.

Allele frequency attached by ClinVar (database versions not stated): gnomAD exomes 0.00001; gnomAD 0.00002 and 0.00003; TOPMed 0.00003.

Submissions (15):

Labcorp Genetics (formerly Invitae), Labcorp
Classification: Uncertain significance for Ataxia-telangiectasia syndrome. Last evaluated: 2026-01-21. Review status: criteria provided, single submitter. Criteria: Invitae Variant Classification Sherloc (09022015). Collection method: clinical testing. Allele origin: germline.
Comment: This sequence change replaces tyrosine, which is neutral and polar, with phenylalanine, which is neutral and non-polar, at codon 1124 of the ATM protein (p.Tyr1124Phe). This variant is present in population databases (no rsID available, gnomAD 0.003%). This missense change has been observed in individual(s) with acute myeloid leukemia and breast cancer and/or ataxia-telangiectasia (PMID: 26580448, 33012025, 33558524). ClinVar contains an entry for this variant (Variation ID: 233576). Invitae Evidence Modeling of protein sequence and biophysical properties (such as structural, functional, and spatial information, amino acid conservation, physicochemical variation, residue mobility, and thermodynamic stability) indicates that this missense variant is not expected to disrupt ATM protein function with a negative predictive value of 95%. In summary, the available evidence is currently insufficient to determine the role of this variant in disease. Therefore, it has been classified as a Variant of Uncertain Significance.

Ambry Genetics
Classification: Uncertain significance for Hereditary cancer-predisposing syndrome. Last evaluated: 2025-09-10. Review status: criteria provided, single submitter. Criteria: Ambry Variant Classification Scheme 2023. Collection method: clinical testing. Allele origin: germline.
Comment: The p.Y1124F variant (also known as c.3371A>T), located in coding exon 22 of the ATM gene, results from an A to T substitution at nucleotide position 3371. The tyrosine at codon 1124 is replaced by phenylalanine, an amino acid with highly similar properties. This amino acid position is well conserved in available vertebrate species. In addition, the in silico prediction for this alteration is inconclusive. Based on the available evidence, the clinical significance of this variant remains unclear.

Women's Health and Genetics/Laboratory Corporation of America, LabCorp
Classification: Uncertain significance. Last evaluated: 2025-06-05. Review status: criteria provided, single submitter. Criteria: LabCorp Variant Classification Summary - May 2015. Collection method: clinical testing. Allele origin: germline.
Comment: Variant summary: ATM c.3371A>T (p.Tyr1124Phe) results in a conservative amino acid change in the encoded protein sequence. Algorithms developed to predict the effect of missense changes on protein structure and function all suggest that this variant is likely to be tolerated. The variant allele was found at a frequency of 1.2e-05 in 250968 control chromosomes. c.3371A>T has been observed in individuals affected with hypodiploid ALL, soft tissue sarcomas, or breast cancer, without strong evidence for causality (e.g., Zhang_2015, Seligson_2019, Moradian_2021) or in one homozygous individual affected with ataxia-telangiectasia (e.g. Ogulur_2021). These data indicate that the variant may be associated with disease. To our knowledge, no experimental evidence demonstrating an impact on protein function has been reported. The following publications have been ascertained in the context of this evaluation (PMID: 26580448, 30541756, 33558524, 33012025). ClinVar contains an entry for this variant (Variation ID: 233576). Based on the evidence outlined above, the variant was classified as VUS-possibly pathogenic.

Blueprint Genetics
Classification: Uncertain significance. Last evaluated: 2024-09-30. Review status: criteria provided, single submitter. Criteria: ACMG Guidelines, 2015. Collection method: clinical testing. Allele origin: germline.

Color Diagnostics, LLC DBA Color Health
Classification: Uncertain significance for Hereditary cancer-predisposing syndrome. Last evaluated: 2024-05-08. Review status: criteria provided, single submitter. Criteria: ACMG Guidelines, 2015. Collection method: clinical testing. Allele origin: germline.
Comment: This missense variant replaces tyrosine with phenylalanine at codon 1124 of the ATM protein. Computational prediction suggests that this variant may not impact protein structure and function. To our knowledge, functional studies have not been reported for this variant. This variant has been reported in individuals affected with breast cancer (PMID: 28779002, 33558524; Color Health internal data) and hypodiploid acute lymphoblastic leukemia (PMID: 26580448). In addition, a large international case-control study reported this variant in 9/60466 breast cancer cases and 2/53461 controls (PMID: 33471991). This variant has been identified in 4/282380 chromosomes in the general population by the Genome Aggregation Database (gnomAD). The available evidence is insufficient to determine the role of this variant in disease conclusively. Therefore, this variant is classified as a Variant of Uncertain Significance.

German Consortium for Hereditary Breast and Ovarian Cancer, University Hospital Cologne
Classification: Uncertain significance for Hereditary breast ovarian cancer syndrome. Last evaluated: 2024-02-15. Review status: criteria provided, single submitter. Criteria: ClinGen ATM V1.1.0. Collection method: curation. Allele origin: germline.
Comment: According to the ClinGen ACMG ATM v1.1.0 criteria we chose this criterion: BS3 (supporting benign): Own RNA-Analysis (blood derived RNA) revealed no effect on splicing

GeneDx
Classification: Uncertain significance. Last evaluated: 2024-01-04. Review status: criteria provided, single submitter. Criteria: GeneDx Variant Classification Process June 2021. Collection method: clinical testing. Allele origin: germline. Affected: yes.
Comment: Not observed at significant frequency in large population cohorts (gnomAD); In silico analysis supports that this missense variant does not alter protein structure/function; Observed in individuals with a personal or family history including breast cancer or hypodiploid acute lymphoblastic leukemia (PMID: 28779002, 26580448, 33558524); This variant is associated with the following publications: (PMID: 26580448, 28779002, 19781682, 33558524, 30541756)

Baylor Genetics
Classification: Uncertain significance for Familial cancer of breast. Last evaluated: 2023-10-19. Review status: criteria provided, single submitter. Criteria: ACMG Guidelines, 2015. Collection method: clinical testing. Allele origin: unknown.

Department of Pathology and Laboratory Medicine, Sinai Health System
Classification: Uncertain significance for Familial cancer of breast. Last evaluated: 2022-11-30. Review status: criteria provided, single submitter. Criteria: ACMG Guidelines, 2015. Collection method: clinical testing. Allele origin: germline. Affected: yes.

Institute for Clinical Genetics, University Hospital TU Dresden, University Hospital TU Dresden
Classification: Uncertain significance. Last evaluated: 2021-11-03. Review status: criteria provided, single submitter. Criteria: ACMG Guidelines, 2015. Collection method: clinical testing. Allele origin: germline.

Fulgent Genetics
Classification: Uncertain significance for Familial cancer of breast; Ataxia-telangiectasia syndrome. Last evaluated: 2018-10-31. Review status: criteria provided, single submitter. Criteria: ACMG Guidelines, 2015. Collection method: clinical testing. Allele origin: unknown.

Natera, Inc.
Classification: Uncertain significance for Ataxia-telangiectasia. Last evaluated: 2020-09-16. Review status: no assertion criteria provided. Collection method: clinical testing. Allele origin: germline. Not counted in ClinVar's aggregate classification.

Center of Medical Genetics and Primary Health Care
Classification: Uncertain significance for Hereditary cancer-predisposing syndrome. Last evaluated: 2020-04-08. Review status: no assertion criteria provided. Collection method: research. Allele origin: germline. Affected: yes. Observed: 1 heterozygote. Not counted in ClinVar's aggregate classification.
Comment: This variant is in exon 18 in a non-functional domain. The Tyr1124 residue is the first codon of exon 18 just before the LZ functional domain, which plays a role in DNA damage repair. This missense variant is in a hotspot of 8 pathogenic variants (PM1 Pathogenic Moderate). The allele frequencies in GnomAD exomes and GnomAD genomes are 0.000012 and 0.0001, respectively, which are less the threshold 0.0001 for recessive gene ATM (PM2 Pathogenic Moderate). 8 benign predictions from Align-GVGD, DANN, DEOGEN2, EIGEN, MVP, MutationTaster, PrimateAI and REVEL versus 4 pathogenic predictions from FATHMM-MKL, M-CAP, MutationAssessor support its benign effect (BP4 Benign Supporting). This variant has been observed in an individual affected with acute myeloid leukemia (PMID: 26580448). This variant is reported in ClinVar as a VUS. The available evidence is currently insufficient to determine its role in disease. Therefore, it has been classified as a Variant of Uncertain Significance.

Clinical Genetics Laboratory, Department of Pathology, Netherlands Cancer Institute
Classification: Uncertain significance. Review status: no assertion criteria provided. Collection method: clinical testing. Allele origin: germline. Affected: yes. Study: VKGL Data-share Consensus. Not counted in ClinVar's aggregate classification.

Joint Genome Diagnostic Labs from Nijmegen and Maastricht, Radboudumc and MUMC+
Classification: Uncertain significance. Review status: no assertion criteria provided. Collection method: clinical testing. Allele origin: germline. Affected: yes. Study: VKGL Data-share Consensus. Not counted in ClinVar's aggregate classification.

Literature cited by the submitters: PubMed 26580448 (cited by 5 submitters); PubMed 33012025 (cited by Labcorp Genetics (formerly Invitae), Labcorp and Women's Health and Genetics/Laboratory Corporation of America, LabCorp); PubMed 33558524 (cited by 5 submitters); PubMed 28779002 (cited by 3 submitters); PubMed 30541756 (cited by Women's Health and Genetics/Laboratory Corporation of America, LabCorp and Department of Pathology and Laboratory Medicine, Sinai Health System); PubMed 33471991 (cited by Color Diagnostics, LLC DBA Color Health).